The following is an entry in ClinVar:

ClinVar aggregate classification (germline): Uncertain significance. Review status: criteria provided, multiple submitters, no conflicts (2 of 4 stars). 3 submissions from 3 submitters: Uncertain significance (3). Last evaluated 2024-09-06.

Conditions:
Inborn genetic diseases. Identifiers: MedGen C0950123, MeSH D030342.

Allele frequency attached by ClinVar (database versions not stated): gnomAD exomes 0.00001; TOPMed 0.00001.
gnomAD v4.1: 3 of 1,613,322 alleles (0.00019%); highest among the groups gnomAD compares: Middle Eastern, 0.017%; no homozygotes.

Submissions (3):

Labcorp Genetics (formerly Invitae), Labcorp
Classification: Uncertain significance. Last evaluated: 2024-09-06. Review status: criteria provided, single submitter. Criteria: Invitae Variant Classification Sherloc (09022015). Collection method: clinical testing. Allele origin: germline.
Comment: This sequence change replaces valine, which is neutral and non-polar, with isoleucine, which is neutral and non-polar, at codon 920 of the SETD5 protein (p.Val920Ile). This variant is not present in population databases (gnomAD no frequency). This variant has not been reported in the literature in individuals affected with SETD5-related conditions. ClinVar contains an entry for this variant (Variation ID: 974977). Invitae Evidence Modeling of protein sequence and biophysical properties (such as structural, functional, and spatial information, amino acid conservation, physicochemical variation, residue mobility, and thermodynamic stability) indicates that this missense variant is not expected to disrupt SETD5 protein function with a negative predictive value of 80%. In summary, the available evidence is currently insufficient to determine the role of this variant in disease. Therefore, it has been classified as a Variant of Uncertain Significance.

Ambry Genetics
Classification: Uncertain significance for Inborn genetic diseases. Last evaluated: 2023-09-20. Review status: criteria provided, single submitter. Criteria: Ambry Variant Classification Scheme 2023. Collection method: clinical testing. Allele origin: germline.

Women's Health and Genetics/Laboratory Corporation of America, LabCorp
Classification: Uncertain significance. Last evaluated: 2020-07-23. Review status: criteria provided, single submitter. Criteria: LabCorp Variant Classification Summary - May 2015. Collection method: clinical testing. Allele origin: germline.
Comment: Variant summary: SETD5 c.2758G>A (p.Val920Ile) results in a conservative amino acid change in the encoded protein sequence. Five of five in-silico tools predict a benign effect of the variant on protein function. The variant was absent in 248852 control chromosomes. The available data on variant occurrences in the general population are insufficient to allow any conclusion about variant significance. To our knowledge, no occurrence of c.2758G>A in individuals affected with Mental Retardation, Autosomal Dominant 23 and no experimental evidence demonstrating its impact on protein function have been reported. No clinical diagnostic laboratories have submitted clinical-significance assessments for this variant to ClinVar after 2014. Based on the evidence outlined above, the variant was classified as uncertain significance.

NM_001080517.3(SETD5):c.2758G>A (p.Val920Ile)

Gene: SETD5 (SET domain containing 5; plus strand). Cytogenetic location: 3p25.3.
Variant type: single nucleotide variant.
Coding change: c.2758G>A on transcript NM_001080517.3 (MANE Select); coding-DNA position 2758, G replaced by A.
Protein change: p.Val920Ile; replaces valine 920 with isoleucine.
Molecular consequence: missense variant.
Genome position (GRCh38, 1-based): chr3:9,470,492, G>A. VCF-style: chr3-9470492-G-A. GRCh37 (hg19) VCF-style: chr3-9512176-G-A.
Other names: c.2464G>A, p.Val822Ile (NM_001292043.2, NM_001349451.2); c.2758G>A (NM_001080517.1); short protein forms V822I, V920I.
Identifiers: ClinVar variation 974977 (VCV000974977.5), dbSNP rs1053026933, ClinGen allele CA69949947.